The following is an entry in ClinVar:

NM_139076.3(ABRAXAS1):c.956T>C (p.Val319Ala)

Gene: ABRAXAS1 (abraxas 1, BRCA1 A complex subunit; minus strand). Cytogenetic location: 4q21.23.
Variant type: single nucleotide variant.
Coding change: c.956T>C on transcript NM_139076.3 (MANE Select); coding-DNA position 956, T replaced by C.
Protein change: p.Val319Ala; replaces valine 319 with alanine.
Molecular consequence: missense variant.
Genome position (GRCh38, 1-based): chr4:83,462,743, A>G on the plus strand (T>C on the coding strand, the complement: ABRAXAS1 is on the minus strand). VCF-style: chr4-83462743-A-G. GRCh37 (hg19) VCF-style: chr4-84383896-A-G.
Other names: c.629T>C, p.Val210Ala (NM_001345962.2); short protein forms V210A, V319A.
Identifiers: ClinVar variation 1799984 (VCV001799984.2), dbSNP rs2529418724, ClinGen allele CA357255769.

ClinVar aggregate classification (germline): Uncertain significance (1 of 4 stars; one submission).

Submission:

Ambry Genetics
Classification: Uncertain significance. Last evaluated: 2022-08-17. Review status: criteria provided, single submitter. Criteria: Ambry Variant Classification Scheme 2023. Collection method: clinical testing. Allele origin: germline.
Comment: The p.V319A variant (also known as c.956T>C), located in coding exon 9 of the FAM175A gene, results from a T to C substitution at nucleotide position 956. The valine at codon 319 is replaced by alanine, an amino acid with similar properties. This amino acid position is conserved. In addition, this alteration is predicted to be tolerated by in silico analysis. Since supporting evidence is limited at this time, the clinical significance of this alteration remains unclear.